The following is an entry in ClinVar:

NM_001130009.3(GEN1):c.351C>G (p.Cys117Trp)

Gene: GEN1 (GEN1 Holliday junction 5' flap endonuclease; plus strand). Cytogenetic location: 2p24.2.
Variant type: single nucleotide variant.
Coding change: c.351C>G on transcript NM_001130009.3 (MANE Select); coding-DNA position 351, C replaced by G.
Protein change: p.Cys117Trp; replaces cysteine 117 with tryptophan.
Molecular consequence: missense variant.
Genome position (GRCh38, 1-based): chr2:17,764,899, C>G. VCF-style: chr2-17764899-C-G. GRCh37 (hg19) VCF-style: chr2-17946166-C-G.
Other names: c.351C>G, p.Cys117Trp (NM_182625.5); short protein forms C117W.
Identifiers: ClinVar variation 4029210 (VCV004029210.1).
Genomic context (GRCh38, chr2:17,764,899, plus strand): 5'-TAAATAAATGAGCAGTGAAAACATTCTTTAACATCTTGCACCTGCTTTTTGTTTTCAGTG[C>G]CTCCATATGCTCGAATGCTTAGGAATCCCCTGGGTTCAGGCTGCTGGGGAAGCTGAAGCC-3'
Protein context (NP_001123481.3, residues 107-127): RSHFKSVLRE[Cys117Trp]LHMLECLGIP

ClinVar aggregate classification (germline): Uncertain significance (1 of 4 stars; one submission).

gnomAD v4.1: 4 of 1,610,290 alleles (0.00025%); highest among the groups gnomAD compares: Non-Finnish European, 0.00034%; no homozygotes.

Submission:

Ambry Genetics
Classification: Uncertain significance. Last evaluated: 2025-04-07. Review status: criteria provided, single submitter. Criteria: Ambry Variant Classification Scheme 2023. Collection method: clinical testing. Allele origin: germline.
Comment: The p.C117W variant (also known as c.351C>G), located in coding exon 3 of the GEN1 gene, results from a C to G substitution at nucleotide position 351. The cysteine at codon 117 is replaced by tryptophan, an amino acid with highly dissimilar properties. This amino acid position is conserved. In addition, this alteration is predicted to be deleterious by in silico analysis. Based on the available evidence, the clinical significance of this variant remains unclear.